The following is an entry in ClinVar:

ClinVar aggregate classification (germline): Uncertain significance (1 of 4 stars; one submission).

Conditions:
Charcot-Marie-Tooth disease type 2. Also called: Charcot-Marie-Tooth type 2. Identifiers: Orphanet 64746, MedGen C0270914, MONDO:0018993.

Allele frequency attached by ClinVar (database versions not stated): TOPMed below 0.00001; ExAC 0.00001; gnomAD exomes below 0.00001.
gnomAD v4.1: 5 of 1,614,124 alleles (0.00031%); highest among the groups gnomAD compares: African/African-American, 0.0027%; no homozygotes.

Submission:

Labcorp Genetics (formerly Invitae), Labcorp
Classification: Uncertain significance for Charcot-Marie-Tooth disease type 2. Last evaluated: 2024-03-10. Review status: criteria provided, single submitter. Criteria: Invitae Variant Classification Sherloc (09022015). Collection method: clinical testing. Allele origin: germline.
Comment: This sequence change replaces threonine, which is neutral and polar, with alanine, which is neutral and non-polar, at codon 221 of the BSCL2 protein (p.Thr221Ala). This variant is present in population databases (rs749862649, gnomAD 0.0009%). This variant has not been reported in the literature in individuals affected with BSCL2-related conditions. ClinVar contains an entry for this variant (Variation ID: 1373094). Advanced modeling of protein sequence and biophysical properties (such as structural, functional, and spatial information, amino acid conservation, physicochemical variation, residue mobility, and thermodynamic stability) performed at Invitae indicates that this missense variant is expected to disrupt BSCL2 protein function with a positive predictive value of 80%. In summary, the available evidence is currently insufficient to determine the role of this variant in disease. Therefore, it has been classified as a Variant of Uncertain Significance.

NM_001122955.4(BSCL2):c.853A>G (p.Thr285Ala)

Genes: BSCL2 (BSCL2 lipid droplet biogenesis associated, seipin; minus strand), HNRNPUL2-BSCL2 (HNRNPUL2-BSCL2 readthrough (NMD candidate); minus strand). Cytogenetic location: 11q12.3.
Variant type: single nucleotide variant.
Coding change: c.853A>G on transcript NM_001122955.4 (MANE Select); coding-DNA position 853, A replaced by G.
Protein change: p.Thr285Ala; replaces threonine 285 with alanine.
Molecular consequence: missense variant. On other transcripts: non-coding transcript variant (1).
Genome position (GRCh38, 1-based): chr11:62,692,386, T>C on the plus strand (A>G on the coding strand, the complement: BSCL2 is on the minus strand). VCF-style: chr11-62692386-T-C. GRCh37 (hg19) VCF-style: chr11-62459858-T-C.
Other names: c.661A>G, p.Thr221Ala (NM_001130702.2, NM_032667.6); c.853A>G, p.Thr285Ala (NM_001386027.1, NM_001386028.1); short protein forms T221A, T285A.
Identifiers: ClinVar variation 1373094 (VCV001373094.8), dbSNP rs749862649, ClinGen allele CA6053435.
Genomic context (GRCh38, chr11:62,692,386, plus strand): 5'-GTTAGCCCCCGTGAAGAGTTGCCCAAGGTTCACTCCAGTTGGCCCCTCACCTGAGCCCAG[T>C]GAAGTGCGCGTGGATGCGGAGGTAGGCTCCATACAGCTGGATGCGCTTGCTGTGGATCTC-3'
Protein context (NP_001116427.1, residues 275-295): GAYLRIHAHF[Thr285Ala]GLRYLLYNFP